The following is an entry in ClinVar:

ClinVar aggregate classification (germline): Likely benign (3 of 4 stars; one submission).

Conditions:
Breast-ovarian cancer, familial, susceptibility to, 2 (BROVCA2). Also called: BRCA2 Hereditary Breast and Ovarian Cancer. Identifiers: Orphanet 145, MedGen C2675520, MONDO:0012933, OMIM 612555. Disease mechanism: loss of function.

Allele frequency attached by ClinVar (database versions not stated): gnomAD exomes below 0.00001; ExAC 0.00001.
gnomAD v4.1: 1 of 1,613,572 alleles (0.000062%); highest among the groups gnomAD compares: South Asian, 0.0011%; no homozygotes.

Submission:

Evidence-based Network for the Interpretation of Germline Mutant Alleles (ENIGMA)
Classification: Likely benign for Breast-ovarian cancer, familial, susceptibility to, 2. Last evaluated: 2017-06-29. Review status: reviewed by expert panel. Criteria: ENIGMA BRCA1/2 Classification Criteria (2017-06-29). Collection method: curation. Allele origin: germline.
Comment: Synonymous substitution variant, with low bioinformatic likelihood to result in a splicing aberration (Splicing prior probability 0.02).

NM_000059.4(BRCA2):c.5685G>A (p.Glu1895=)

Gene: BRCA2 (BRCA2 DNA repair associated; plus strand). Cytogenetic location: 13q13.1.
Variant type: single nucleotide variant.
Coding change: c.5685G>A on transcript NM_000059.4 (MANE Select); coding-DNA position 5685, G replaced by A.
Protein change: p.Glu1895=; no amino-acid change (glutamic acid 1895 retained).
Molecular consequence: synonymous variant.
Genome position (GRCh38, 1-based): chr13:32,340,040, G>A. VCF-style: chr13-32340040-G-A. GRCh37 (hg19) VCF-style: chr13-32914177-G-A.
Identifiers: ClinVar variation 427493 (VCV000427493.3), dbSNP rs749491255, ClinGen allele CA6940896.